The following is an entry in ClinVar:

NM_016120.4(RLIM):c.508A>G (p.Asn170Asp)

Gene: RLIM (ring finger protein, LIM domain interacting; minus strand). Cytogenetic location: Xq13.2.
Variant type: single nucleotide variant.
Coding change: c.508A>G on transcript NM_016120.4 (MANE Select); coding-DNA position 508, A replaced by G.
Protein change: p.Asn170Asp; replaces asparagine 170 with aspartic acid.
Molecular consequence: missense variant.
Genome position (GRCh38, 1-based): chrX:74,592,807, T>C on the plus strand (A>G on the coding strand, the complement: RLIM is on the minus strand). VCF-style: chrX-74592807-T-C. GRCh37 (hg19) VCF-style: chrX-73812642-T-C.
Other names: c.508A>G, p.Asn170Asp (NM_183353.3); short protein forms N170D.
Identifiers: ClinVar variation 4978254 (VCV004978254.1).

ClinVar aggregate classification (germline): Uncertain significance (1 of 4 stars; one submission).

Conditions:
RLIM-related disorder. Also called: RLIM-related condition.

gnomAD v4.1: 2 of 1,211,512 alleles (0.00017%); highest among the groups gnomAD compares: East Asian, 0.003%; no homozygotes.

Submission:

PreventionGenetics, part of Exact Sciences
Classification: Uncertain significance for RLIM-related condition. Last evaluated: 2026-01-28. Review status: criteria provided, single submitter. Criteria: ACMG Guidelines, 2015. Collection method: clinical testing. Allele origin: germline.
Comment: The RLIM c.508A>G variant is predicted to result in the amino acid substitution p.Asn170Asp. To our knowledge, this variant has not been reported in the literature. This variant is reported in 0.0076% of alleles in individuals of African descent in gnomAD. At this time, the clinical significance of this variant is uncertain due to the absence of conclusive functional and genetic evidence.